The following is an entry in ClinVar:

ClinVar aggregate classification (germline): Pathogenic. Review status: criteria provided, single submitter (1 of 4 stars). 3 submissions from 2 submitters: Pathogenic (1). 2 of the submissions do not count toward it. Last evaluated 2024-05-24.

Conditions:
Beta-thalassemia HBB/LCRB. Identifiers: MedGen CN322236, MONDO:0013517, OMIM 613985.
Erythrocytosis, familial, 6. Also called: ERYTHROCYTOSIS, BETA-GLOBIN TYPE; POLYCYTHEMIA, BETA-GLOBIN TYPE. Identifiers: MedGen C4693822, MONDO:0054801, OMIM 617980.
HEMOGLOBIN YORK.

Submissions (3):

Genetics Laboratory, Al-Manara University for Medical Sciences
Classification: Pathogenic for Beta-thalassemia HBB/LCRB. Last evaluated: 2024-05-24. Review status: criteria provided, single submitter. Criteria: ACMG Guidelines, 2015. Collection method: research. Allele origin: germline. Affected: yes.
Comment: The HBB:c.440A>C (NM_000518.5) missense variant, located in exon 3, results in an amino acid substitution at position 147, changing histidine (His) to proline (Pro). In-silico tools predict an effect of the variant on protein function. In silico analysis of AlphaMissense (version 03-Jul-2024) score is 0.8584 (Pathogenic Supporting). ClinVar (Accession: SCV000763272.1) reports this variant.

OMIM
Classification: other for HEMOGLOBIN YORK. Last evaluated: 2017-12-12. Review status: no assertion criteria provided. Collection method: literature only. Allele origin: germline. Not counted in ClinVar's aggregate classification.

OMIM
Classification: Pathogenic for ERYTHROCYTOSIS 6. Last evaluated: 1983-01-01. Review status: no assertion criteria provided. Collection method: literature only. Allele origin: germline. Not counted in ClinVar's aggregate classification.

Literature cited by the submitters: PubMed 6874372 (cited by Genetics Laboratory, Al-Manara University for Medical Sciences and OMIM); PubMed 1246355 (cited by Genetics Laboratory, Al-Manara University for Medical Sciences and OMIM).

NM_000518.4(HBB):c.440A>C (p.His147Pro)

Genes: HBB (hemoglobin subunit beta; minus strand), LOC107133510 (origin of replication at HBB; plus strand), LOC110006319 (beta-globin gene 3' regulatory region; plus strand). Cytogenetic location: 11p15.4.
Variant type: single nucleotide variant.
Coding change: c.440A>C on transcript NM_000518.4; coding-DNA position 440, A replaced by C.
Protein change: p.His147Pro; replaces histidine 147 with proline.
Molecular consequence: missense variant (on NM_000518.5).
Genome position (GRCh38, 1-based): chr11:5,225,602, T>G on the plus strand (A>C on the coding strand, the complement: HBB is on the minus strand). VCF-style: chr11-5225602-T-G. GRCh37 (hg19) VCF-style: chr11-5246832-T-G.
Other names: H146P; c.440A>C, p.His147Pro (NM_000518.5); short protein forms H147P.
Identifiers: ClinVar variation 15395 (VCV000015395.3), dbSNP rs33954264, ClinGen allele CA125245.